The following is an entry in ClinVar:

NM_001113491.2(SEPTIN9):c.533C>A (p.Ala178Asp)

Gene: SEPTIN9 (septin 9; plus strand). Cytogenetic location: 17q25.3.
Variant type: single nucleotide variant.
Coding change: c.533C>A on transcript NM_001113491.2 (MANE Select); coding-DNA position 533, C replaced by A.
Protein change: p.Ala178Asp; replaces alanine 178 with aspartic acid.
Molecular consequence: missense variant.
Genome position (GRCh38, 1-based): chr17:77,402,515, C>A. VCF-style: chr17-77402515-C-A. GRCh37 (hg19) VCF-style: chr17-75398597-C-A.
Other names: c.41C>A, p.Ala14Asp (NM_001113492.2, NM_001113494.1); c.512C>A, p.Ala171Asp (NM_001113493.2); c.476C>A, p.Ala159Asp (NM_001293695.2); c.479C>A, p.Ala160Asp (NM_006640.5); short protein forms A171D, A14D, A160D, A159D, A178D.
Identifiers: ClinVar variation 2765835 (VCV002765835.3), dbSNP rs1411043778, ClinGen allele CA401206355.

ClinVar aggregate classification (germline): Uncertain significance (1 of 4 stars; one submission).

Submission:

Labcorp Genetics (formerly Invitae), Labcorp
Classification: Uncertain significance. Last evaluated: 2024-10-15. Review status: criteria provided, single submitter. Criteria: Invitae Variant Classification Sherloc (09022015). Collection method: clinical testing. Allele origin: germline.
Comment: This sequence change replaces alanine, which is neutral and non-polar, with aspartic acid, which is acidic and polar, at codon 160 of the SEPT9 protein (p.Ala160Asp). This variant is not present in population databases (gnomAD no frequency). This variant has not been reported in the literature in individuals affected with SEPT9-related conditions. Invitae Evidence Modeling of protein sequence and biophysical properties (such as structural, functional, and spatial information, amino acid conservation, physicochemical variation, residue mobility, and thermodynamic stability) indicates that this missense variant is not expected to disrupt SEPT9 protein function with a negative predictive value of 80%. In summary, the available evidence is currently insufficient to determine the role of this variant in disease. Therefore, it has been classified as a Variant of Uncertain Significance.